The following is an entry in ClinVar:

ClinVar aggregate classification (germline): Uncertain significance (1 of 4 stars; one submission).

Conditions:
Giant axonal neuropathy 1 (GAN1). Also called: GIANT AXONAL NEUROPATHY 1, AUTOSOMAL RECESSIVE; GAN-Related Neurodegeneration. Identifiers: Orphanet 643, MedGen C1850386, MONDO:0009749, OMIM 256850.

Allele frequency attached by ClinVar (database versions not stated): gnomAD exomes below 0.00001.
gnomAD v4.1: 3 of 1,613,022 alleles (0.00019%); highest among the groups gnomAD compares: Non-Finnish European, 0.00025%; no homozygotes.

Submission:

Labcorp Genetics (formerly Invitae), Labcorp
Classification: Uncertain significance for Giant axonal neuropathy 1. Last evaluated: 2022-04-27. Review status: criteria provided, single submitter. Criteria: Invitae Variant Classification Sherloc (09022015). Collection method: clinical testing. Allele origin: germline.
Comment: In summary, the available evidence is currently insufficient to determine the role of this variant in disease. Therefore, it has been classified as a Variant of Uncertain Significance. Algorithms developed to predict the effect of missense changes on protein structure and function (SIFT, PolyPhen-2, Align-GVGD) all suggest that this variant is likely to be tolerated. This variant has not been reported in the literature in individuals affected with GAN-related conditions. This variant is not present in population databases (gnomAD no frequency). This sequence change replaces valine, which is neutral and non-polar, with isoleucine, which is neutral and non-polar, at codon 410 of the GAN protein (p.Val410Ile).

NM_022041.4(GAN):c.1228G>A (p.Val410Ile)

Gene: GAN (gigaxonin; plus strand). Cytogenetic location: 16q23.2.
Variant type: single nucleotide variant.
Coding change: c.1228G>A on transcript NM_022041.4 (MANE Select); coding-DNA position 1228, G replaced by A.
Protein change: p.Val410Ile; replaces valine 410 with isoleucine.
Molecular consequence: missense variant.
Genome position (GRCh38, 1-based): chr16:81,363,935, G>A. VCF-style: chr16-81363935-G-A. GRCh37 (hg19) VCF-style: chr16-81397540-G-A.
Other names: c.589G>A, p.Val197Ile (NM_001377486.1); short protein forms V197I, V410I.
Identifiers: ClinVar variation 2130988 (VCV002130988.4), dbSNP rs2507747228, ClinGen allele CA396890752.